The following is an entry in ClinVar:

ClinVar aggregate classification (germline): Likely benign (1 of 4 stars; one submission).

Allele frequency attached by ClinVar (database versions not stated): ExAC 0.01430; TOPMed 0.00001.

Submission:

GeneDx
Classification: Likely benign. Last evaluated: 2017-11-01. Review status: criteria provided, single submitter. Criteria: GeneDx Variant Classification (06012015). Collection method: clinical testing. Allele origin: germline. Affected: yes.
Comment: This variant is considered likely benign or benign based on one or more of the following criteria: it is a conservative change, it occurs at a poorly conserved position in the protein, it is predicted to be benign by multiple in silico algorithms, and/or has population frequency not consistent with disease.

NM_174889.5(NDUFAF2):c.-33G>A

Gene: NDUFAF2 (NADH:ubiquinone oxidoreductase complex assembly factor 2; plus strand). Cytogenetic location: 5q12.1.
Variant type: single nucleotide variant.
Coding change: c.-33G>A on transcript NM_174889.5 (MANE Select); 33 bases upstream of the start codon, G replaced by A.
Molecular consequence: 5 prime UTR variant.
Genome position (GRCh38, 1-based): chr5:60,945,223, G>A. VCF-style: chr5-60945223-G-A. GRCh37 (hg19) VCF-style: chr5-60241050-G-A.
Identifiers: ClinVar variation 380185 (VCV000380185.1), dbSNP rs200299226, ClinGen allele CA3278038.